The following is an entry in ClinVar:

ClinVar aggregate classification (germline): Uncertain significance (1 of 4 stars; one submission).

Conditions:
Deficiency of adenosine deaminase 2. Also called: Polyarteritis nodosa, childhoood-onset; Adenosine Deaminase 2 Deficiency; VASCULITIS, AUTOINFLAMMATION, IMMUNODEFICIENCY, AND HEMATOLOGIC DEFECTS SYNDROME. Identifiers: Orphanet 404553, MedGen C3887654, MONDO:0014306, OMIM 615688, MONDO:0100317.

Submission:

Labcorp Genetics (formerly Invitae), Labcorp
Classification: Uncertain significance for Deficiency of adenosine deaminase 2. Last evaluated: 2024-03-25. Review status: criteria provided, single submitter. Criteria: Invitae Variant Classification Sherloc (09022015). Collection method: clinical testing. Allele origin: germline.
Comment: This sequence change replaces serine, which is neutral and polar, with cysteine, which is neutral and slightly polar, at codon 488 of the ADA2 protein (p.Ser488Cys). This variant is not present in population databases (gnomAD no frequency). This variant has not been reported in the literature in individuals affected with ADA2-related conditions. Advanced modeling of protein sequence and biophysical properties (such as structural, functional, and spatial information, amino acid conservation, physicochemical variation, residue mobility, and thermodynamic stability) performed at Invitae indicates that this missense variant is not expected to disrupt ADA2 protein function with a negative predictive value of 80%. In summary, the available evidence is currently insufficient to determine the role of this variant in disease. Therefore, it has been classified as a Variant of Uncertain Significance.

NM_001282225.2(ADA2):c.1462A>T (p.Ser488Cys)

Gene: ADA2 (adenosine deaminase 2; minus strand). Cytogenetic location: 22q11.1.
Variant type: single nucleotide variant.
Coding change: c.1462A>T on transcript NM_001282225.2 (MANE Select); coding-DNA position 1462, A replaced by T.
Protein change: p.Ser488Cys; replaces serine 488 with cysteine.
Molecular consequence: missense variant.
Genome position (GRCh38, 1-based): chr22:17,181,557, T>A on the plus strand (A>T on the coding strand, the complement: ADA2 is on the minus strand). VCF-style: chr22-17181557-T-A. GRCh37 (hg19) VCF-style: chr22-17662447-T-A.
Other names: c.1336A>T, p.Ser446Cys (NM_001282227.2, NM_001282228.2); c.1102A>T, p.Ser368Cys (NM_001282229.2); c.739A>T, p.Ser247Cys (NM_177405.3); c.1462A>T, p.Ser488Cys (NM_001282226.2); short protein forms S247C, S368C, S488C, S446C.
Identifiers: ClinVar variation 3646892 (VCV003646892.2).